The following is an entry in ClinVar:

NM_001349232.2(ATG7):c.1588G>A (p.Ala530Thr)

Gene: ATG7 (autophagy related 7; plus strand). Cytogenetic location: 3p25.3.
Variant type: single nucleotide variant.
Coding change: c.1588G>A on transcript NM_001349232.2 (MANE Select); coding-DNA position 1588, G replaced by A.
Protein change: p.Ala530Thr; replaces alanine 530 with threonine.
Molecular consequence: missense variant.
Genome position (GRCh38, 1-based): chr3:11,360,689, G>A. VCF-style: chr3-11360689-G-A. GRCh37 (hg19) VCF-style: chr3-11402163-G-A.
Other names: c.1588G>A, p.Ala530Thr (NM_001136031.3, NM_001349233.2, NM_001349234.2 and 2 more transcripts); c.1471G>A, p.Ala491Thr (NM_001144912.2, NM_001349236.2); c.1429G>A, p.Ala477Thr (NM_001349237.2); c.655G>A, p.Ala219Thr (NM_001349238.2); short protein forms A477T, A530T, A219T, A491T.
Identifiers: ClinVar variation 726677 (VCV000726677.28), dbSNP rs35807939, ClinGen allele CA2256116.

ClinVar aggregate classification (germline): Likely benign. Review status: criteria provided, multiple submitters, no conflicts (2 of 4 stars). 4 submissions from 4 submitters: Likely benign (3). 1 of the submissions does not count toward it. Last evaluated 2026-02-01.

Conditions:
ATG7-related disorder. Also called: ATG7-related condition.

Allele frequency attached by ClinVar (database versions not stated): gnomAD exomes 0.00051 and 0.00113; ExAC 0.00102; 1000 Genomes Project 0.00160; ESP Exome Variant Server 0.00177; gnomAD 0.00208 and 0.00221; 1000 Genomes Project 30x 0.00234; TOPMed 0.00260.

Submissions (4):

CeGaT Center for Human Genetics Tuebingen
Classification: Likely benign. Last evaluated: 2026-02-01. Review status: criteria provided, single submitter. Criteria: CeGaT Center For Human Genetics Tuebingen Variant Classification Criteria Version 2. Collection method: clinical testing. Allele origin: germline. Affected: yes. Observed: 3 variant alleles.
Comment: ATG7: BP4

Labcorp Genetics (formerly Invitae), Labcorp
Classification: Likely benign. Last evaluated: 2018-06-08. Review status: criteria provided, single submitter. Criteria: Invitae Variant Classification Sherloc (09022015). Collection method: clinical testing. Allele origin: germline.

Breakthrough Genomics
Classification: Likely benign. Review status: criteria provided, single submitter. Criteria: ACMG Guidelines, 2015. Collection method: not provided. Allele origin: germline. Inheritance: Autosomal recessive inheritance. Affected: yes.

PreventionGenetics, part of Exact Sciences
Classification: Likely benign for ATG7-related condition. Last evaluated: 2022-07-06. Review status: no assertion criteria provided. Collection method: clinical testing. Allele origin: germline. Not counted in ClinVar's aggregate classification.
Comment: This variant is classified as likely benign based on ACMG/AMP sequence variant interpretation guidelines (Richards et al. 2015 PMID: 25741868, with internal and published modifications).